The following is an entry in ClinVar:

NM_007363.5(NONO):c.1285C>T (p.Pro429Ser)

Gene: NONO (non-POU domain containing octamer binding; plus strand). Cytogenetic location: Xq13.1.
Variant type: single nucleotide variant.
Coding change: c.1285C>T on transcript NM_007363.5 (MANE Select); coding-DNA position 1285, C replaced by T.
Protein change: p.Pro429Ser; replaces proline 429 with serine.
Molecular consequence: missense variant.
Genome position (GRCh38, 1-based): chrX:71,299,945, C>T. VCF-style: chrX-71299945-C-T. GRCh37 (hg19) VCF-style: chrX-70519795-C-T.
Other names: c.1285C>T, p.Pro429Ser (NM_001145408.2, NM_001145409.2); c.1018C>T, p.Pro340Ser (NM_001145410.2); short protein forms P340S, P429S.
Identifiers: ClinVar variation 4726806 (VCV004726806.1).

ClinVar aggregate classification (germline): Uncertain significance (1 of 4 stars; one submission).

Submission:

Labcorp Genetics (formerly Invitae), Labcorp
Classification: Uncertain significance. Last evaluated: 2025-09-08. Review status: criteria provided, single submitter. Criteria: Invitae Variant Classification Sherloc (09022015). Collection method: clinical testing. Allele origin: germline.
Comment: This sequence change replaces proline, which is neutral and non-polar, with serine, which is neutral and polar, at codon 429 of the NONO protein (p.Pro429Ser). This variant is not present in population databases (gnomAD no frequency). This variant has not been reported in the literature in individuals affected with NONO-related conditions. An algorithm developed to predict the effect of missense changes on protein structure and function (PolyPhen-2) suggests that this variant is likely to be tolerated. In summary, the available evidence is currently insufficient to determine the role of this variant in disease. Therefore, it has been classified as a Variant of Uncertain Significance.